The following is an entry in ClinVar:

NM_002471.4(MYH6):c.3787G>T (p.Val1263Leu)

Gene: MYH6 (myosin heavy chain 6; minus strand). Cytogenetic location: 14q11.2.
Variant type: single nucleotide variant.
Coding change: c.3787G>T on transcript NM_002471.4 (MANE Select); coding-DNA position 3787, G replaced by T.
Protein change: p.Val1263Leu; replaces valine 1263 with leucine.
Molecular consequence: missense variant.
Genome position (GRCh38, 1-based): chr14:23,389,665, C>A on the plus strand (G>T on the coding strand, the complement: MYH6 is on the minus strand). VCF-style: chr14-23389665-C-A. GRCh37 (hg19) VCF-style: chr14-23858874-C-A.
Other names: short protein forms V1263L.
Identifiers: ClinVar variation 1370027 (VCV001370027.6), dbSNP rs375819633, ClinGen allele CA7115073.

ClinVar aggregate classification (germline): Uncertain significance (1 of 4 stars; one submission).

Conditions:
Hypertrophic cardiomyopathy 14. Identifiers: MedGen C2750467, MONDO:0013197, OMIM 613251.

gnomAD v4.1: 2 of 1,614,040 alleles (0.00012%); highest among the groups gnomAD compares: Non-Finnish European, 0.00017%; no homozygotes.

Submission:

Labcorp Genetics (formerly Invitae), Labcorp
Classification: Uncertain significance for Hypertrophic cardiomyopathy 14. Last evaluated: 2025-11-10. Review status: criteria provided, single submitter. Criteria: Invitae Variant Classification Sherloc (09022015). Collection method: clinical testing. Allele origin: germline.
Comment: This sequence change replaces valine, which is neutral and non-polar, with leucine, which is neutral and non-polar, at codon 1263 of the MYH6 protein (p.Val1263Leu). This variant is present in population databases (rs375819633, gnomAD 0.0009%). This variant has not been reported in the literature in individuals affected with MYH6-related conditions. ClinVar contains an entry for this variant (Variation ID: 1370027). Invitae Evidence Modeling of protein sequence and biophysical properties (such as structural, functional, and spatial information, amino acid conservation, physicochemical variation, residue mobility, and thermodynamic stability) indicates that this missense variant is not expected to disrupt MYH6 protein function with a negative predictive value of 80%. In summary, the available evidence is currently insufficient to determine the role of this variant in disease. Therefore, it has been classified as a Variant of Uncertain Significance.